The following is an entry in ClinVar:

ClinVar aggregate classification (germline): Pathogenic (1 of 4 stars; one submission).

Conditions:
Familial cancer of breast. Also called: Hereditary breast cancer; hereditary breast carcinoma; BREAST CANCER, FAMILIAL. Identifiers: Orphanet 227535, MedGen C0346153, MONDO:0016419, OMIM 114480. Disease mechanism: loss of function.

Submission:

Labcorp Genetics (formerly Invitae), Labcorp
Classification: Pathogenic for Familial cancer of breast. Last evaluated: 2025-10-13. Review status: criteria provided, single submitter. Criteria: Invitae Variant Classification Sherloc (09022015). Collection method: clinical testing. Allele origin: germline.
Comment: This sequence change creates a premature translational stop signal (p.Phe600*) in the BARD1 gene. It is expected to result in an absent or disrupted protein product. Loss-of-function variants in BARD1 are known to be pathogenic (PMID: 20077502, 21344236). This variant is not present in population databases (gnomAD no frequency). This variant has not been reported in the literature in individuals affected with BARD1-related conditions. Algorithms developed to predict the effect of sequence changes on RNA splicing suggest that this variant may create or strengthen a splice site. For these reasons, this variant has been classified as Pathogenic.

Literature cited by the submitters: PubMed 20077502; PubMed 21344236.

NM_000465.4(BARD1):c.1795_1798dup (p.Phe600Ter)

Gene: BARD1 (BRCA1 associated RING domain 1; minus strand). Cytogenetic location: 2q35.
Variant type: Duplication.
Coding change: c.1795_1798dup on transcript NM_000465.4 (MANE Select); coding-DNA positions 1795 to 1798, 4 bases duplicated (GAGT; older notation c.1795_1798dupGAGT).
Protein change: p.Phe600Ter; replaces phenylalanine 600 with a stop codon.
Molecular consequence: nonsense. On other transcripts: non-coding transcript variant (3), intron variant (1).
Genome position (GRCh38, 1-based): chr2:214,745,734-214,745,737, ACTC duplicated on the plus strand (GAGT on the coding strand, the reverse complement: BARD1 is on the minus strand); duplicating any 4 consecutive bases within chr2:214,745,734-214,745,738 gives the same sequence; the c. name uses the placement nearest the transcript's 3' end. VCF-style (leftmost placement, unchanged base first): chr2-214745733-A-AACTC. GRCh37 (hg19) VCF-style: chr2-215610457-A-AACTC.
Other names: c.1738_1741dup, p.Phe581Ter (NM_001282543.2); c.442_445dup, p.Phe149Ter (NM_001282545.2); c.385_388dup, p.Phe130Ter (NM_001282548.2); c.365-15229_365-15226dup (NM_001282549.2); short protein forms F149*, F600*, F581*, F130*.
Identifiers: ClinVar variation 4729120 (VCV004729120.1).
Genomic context (GRCh38, chr2:214,745,733, plus strand): 5'-TCTATTTAACATTTTTTCTACCCCACCTCCCAAAATTCAAAATCCTCACCTGTACTGTCA[A>AACTC]ACTCAGTATATTTTTTAGCCTTAAGAATTACTGCAAGCTCACTGAGCATTTTCTGTTGTT-3'